The following is an entry in ClinVar:

NM_015330.6(SPECC1L):c.836A>G (p.Glu279Gly)

Genes: SPECC1L (sperm antigen with calponin homology and coiled-coil domains 1 like; plus strand), SPECC1L-ADORA2A (SPECC1L-ADORA2A readthrough (NMD candidate); plus strand). Cytogenetic location: 22q11.23.
Variant type: single nucleotide variant.
Coding change: c.836A>G on transcript NM_015330.6 (MANE Select); coding-DNA position 836, A replaced by G.
Protein change: p.Glu279Gly; replaces glutamic acid 279 with glycine.
Molecular consequence: missense variant. On other transcripts: non-coding transcript variant (1).
Genome position (GRCh38, 1-based): chr22:24,321,816, A>G. VCF-style: chr22-24321816-A-G. GRCh37 (hg19) VCF-style: chr22-24717784-A-G.
Other names: c.836A>G, p.Glu279Gly (NM_001145468.4, NM_001254732.3); short protein forms E279G.
Identifiers: ClinVar variation 931986 (VCV000931986.3), dbSNP rs2040728349, ClinGen allele CA410966125.

ClinVar aggregate classification (germline): Uncertain significance (1 of 4 stars; one submission).

Conditions:
Teebi hypertelorism syndrome. Identifiers: Orphanet 1519, MedGen C0796179, MONDO:0030639.

Allele frequency attached by ClinVar (database versions not stated): gnomAD exomes below 0.00001.

Submission:

Centre for Mendelian Genomics, University Medical Centre Ljubljana
Classification: Uncertain significance for Teebi hypertelorism syndrome 1. Last evaluated: 2016-01-01. Review status: criteria provided, single submitter. Criteria: ACMG Guidelines, 2015. Collection method: clinical testing. Allele origin: unknown. Affected: yes.
Comment: This variant was classified as: Uncertain significance. The following ACMG criteria were applied in classifying this variant: PM2.